The following is an entry in ClinVar:

ClinVar aggregate classification (germline): Pathogenic. Review status: reviewed by expert panel (3 of 4 stars). 2 submissions from 2 submitters: Pathogenic (1). 1 of the submissions does not count toward it. Last evaluated 2025-05-06.

Conditions:
von Willebrand disease type 2 (VWD2). Also called: VWD, TYPE 2; VON WILLEBRAND DISEASE, TYPE II; VON WILLEBRAND DISEASE, TYPE 2A/IIE; VON WILLEBRAND DISEASE, TYPE 2CB. Identifiers: Orphanet 166081, Orphanet 903, MedGen C1264040, MONDO:0013304, OMIM 613554.
Von Willebrand disease type 2A. Identifiers: Orphanet 166084, MedGen C1282968, MONDO:0015628. Inheritance: Autosomal recessive or autosomal dominant.

Submissions (2):

ClinGen von Willebrand Disease Variant Curation Expert Panel, ClinGen
Classification: Pathogenic for Von Willebrand disease type 2A. Last evaluated: 2025-05-06. Review status: reviewed by expert panel. Criteria: ClinGen VWD 2A B M Rules. Collection method: curation. Allele origin: germline. Inheritance: Autosomal dominant inheritance.
Comment: The NM_000552.5(VWF):c.4885G>C (p.Gly1629Arg) missense variant is absent from gnomAD v4.1 (PM2_Supporting). The computational predictor REVEL gives a score of 0.796, which is above the ClinGen VWD VCEP threshold of >0.644 and predicts a damaging effect on VWF function (PP3). At least one patient with this variant displayed excessive mucocutaneous bleeding as well as laboratory phenotypes of very low VWF activity (VWF:RCo 30 IU/dl and almost no binding of plasma VWF to GPIb), low activity/VWF:Ag ratio (0.30), and loss of high and intermediate molecular weight multimers, which together are highly specific for VWD type 2A. (PP4_moderate, PMID: 30044032). Additional consistent phenotypes were also reported in the patient including FVIII activity consistent with VWF antigen and a reduced RIPA. At least one additional type 2A patient has been reported with VWF:RCo/ VWF:Ag ratio between 0.08-0.22 and absence of HMW multimers (PMID: 37215093; PS4_supporting). At least one family (PMID: 37215093) has at least 2 segregations and all affected family members have VWF:RCo/ VWF:Ag ratio between 0.08-0.22 and absence of HMW multimers (PP1). Multimerization assay performed with the Gly1629Arg recombinant mutant vWF expressed by Cos-7 cells had a slight decrease in the highest molecular weight multimers indicating that this variant has a damaging effect on protein function (PS3; PMID: 15377475). Additionally, mutated rVWF showed a moderately weakened capacity for binding to platelets, when compared to WT-rVWF. In summary, this variant meets the criteria to be classified as pathogenic for autosomal dominant VWD type 2A based on the ACMG/AMP criteria applied, as specified by the ClinGen VWD VCEP: PP4_Moderate, PM2_Supporting, PP3, PP1, PS4_supporting, PS3. (ClinGen von Willebrand Disease Expert Panel Specifications to the ACMG/AMP Variant Interpretation Guidelines for VWF Version 1.0.0)

Angelo Bianchi Bonomi Hemophilia and Thrombosis Center, Fondazione IRCCS Ca Granda Ospedale Maggiore Policlinico
Classification: Likely pathogenic for von Willebrand disease type 2. Last evaluated: 2022-04-26. Review status: no assertion criteria provided. Collection method: clinical testing. Allele origin: germline. Affected: yes. Not counted in ClinVar's aggregate classification.

NM_000552.5(VWF):c.4885G>C (p.Gly1629Arg)

Gene: VWF (von Willebrand factor; minus strand). Cytogenetic location: 12p13.31.
Variant type: single nucleotide variant.
Coding change: c.4885G>C on transcript NM_000552.5 (MANE Select); coding-DNA position 4885, G replaced by C.
Protein change: p.Gly1629Arg; replaces glycine 1629 with arginine.
Molecular consequence: missense variant.
Genome position (GRCh38, 1-based): chr12:6,018,533, C>G on the plus strand (G>C on the coding strand, the complement: VWF is on the minus strand). VCF-style: chr12-6018533-C-G. GRCh37 (hg19) VCF-style: chr12-6127699-C-G.
Other names: NM_000552.5(VWF):c.4885G>C; p.Gly1629Arg; short protein forms G1629R.
Identifiers: ClinVar variation 1684005 (VCV001684005.2), dbSNP rs61750585, ClinGen allele CA383498765.